The following is an entry in ClinVar:

NM_000038.6(APC):c.7561A>G (p.Arg2521Gly)

Gene: APC (APC regulator of Wnt signaling pathway; plus strand). Cytogenetic location: 5q22.2.
Variant type: single nucleotide variant.
Coding change: c.7561A>G on transcript NM_000038.6 (MANE Select); coding-DNA position 7561, A replaced by G.
Protein change: p.Arg2521Gly; replaces arginine 2521 with glycine.
Molecular consequence: missense variant. On other transcripts: non-coding transcript variant (2).
Genome position (GRCh38, 1-based): chr5:112,843,155, A>G. VCF-style: chr5-112843155-A-G. GRCh37 (hg19) VCF-style: chr5-112178852-A-G.
Other names: c.7561A>G, p.Arg2521Gly (NM_001127510.3, NM_001354895.2, NM_001407450.1); c.7507A>G, p.Arg2503Gly (NM_001127511.3); c.7615A>G, p.Arg2539Gly (NM_001354896.2, NM_001407447.1, NM_001407448.1 and 1 more transcripts); c.7591A>G, p.Arg2531Gly (NM_001354897.2); c.7486A>G, p.Arg2496Gly (NM_001354898.2); c.7477A>G, p.Arg2493Gly (NM_001354899.2); c.7438A>G, p.Arg2480Gly (NM_001354900.2); c.7384A>G, p.Arg2462Gly (NM_001354901.2, NM_001407453.1); and 11 more; short protein forms R2238G, R2361G, R2480G, R2496G, R2539G, R2137G, R2395G, R2438G.
Identifiers: ClinVar variation 2452754 (VCV002452754.2), dbSNP rs769834352, ClinGen allele CA16037765.

ClinVar aggregate classification (germline): Uncertain significance (1 of 4 stars; one submission).

Conditions:
Hereditary cancer-predisposing syndrome. Also called: Neoplastic Syndromes, Hereditary; Tumor predisposition; Hereditary neoplastic syndrome; Hereditary Cancer Syndrome. Identifiers: Orphanet 140162, MedGen C0027672, MeSH D009386, MONDO:0015356.

Submission:

Ambry Genetics
Classification: Uncertain significance for Hereditary cancer-predisposing syndrome. Last evaluated: 2023-02-17. Review status: criteria provided, single submitter. Criteria: Ambry Variant Classification Scheme 2023. Collection method: clinical testing. Allele origin: germline.
Comment: The p.R2521G variant (also known as c.7561A>G), located in coding exon 15 of the APC gene, results from an A to G substitution at nucleotide position 7561. The arginine at codon 2521 is replaced by glycine, an amino acid with dissimilar properties. This amino acid position is conserved. In addition, in silico predictors for this gene do not accurately predict pathogenicity. Since supporting evidence is limited at this time, the clinical significance of this alteration remains unclear.